The following is an entry in ClinVar:

NM_000179.3(MSH6):c.38A>C (p.Lys13Thr)

Gene: MSH6 (mutS homolog 6; plus strand). Cytogenetic location: 2p16.3.
Variant type: single nucleotide variant.
Coding change: c.38A>C on transcript NM_000179.3 (MANE Select); coding-DNA position 38, A replaced by C.
Protein change: p.Lys13Thr; replaces lysine 13 with threonine.
Molecular consequence: missense variant. On other transcripts: 5 prime UTR variant (1).
Genome position (GRCh38, 1-based): chr2:47,783,271, A>C. VCF-style: chr2-47783271-A-C. GRCh37 (hg19) VCF-style: chr2-48010410-A-C.
Other names: p.K13T:AAG>ACG; c.38A>C, p.Lys13Thr (NM_001281492.2); c.-699A>C (NM_001281493.2); short protein forms K13T.
Identifiers: ClinVar variation 36596 (VCV000036596.36), dbSNP rs41294988, ClinGen allele CA014649.

ClinVar aggregate classification (germline): Conflicting classifications of pathogenicity. Review status: criteria provided, conflicting classifications (1 of 4 stars). 13 submissions from 13 submitters: Uncertain significance (10); Likely benign (1). 2 of the submissions do not count toward it. Last evaluated 2025-08-19.

Conditions:
Mismatch repair cancer syndrome 3. Identifiers: MedGen C5436807, MONDO:0030841, OMIM 619097.
Lynch syndrome 5 (LYNCH5). Also called: Colorectal cancer, hereditary nonpolyposis, type 5; Hereditary non-polyposis colorectal cancer, type 5. Identifiers: Orphanet 144, MedGen C1833477, MONDO:0013710, OMIM 614350. Disease mechanism: loss of function.
Endometrial carcinoma. Also called: Endometrial carcinoma, somatic. Identifiers: MedGen C0476089, MONDO:0002447, OMIM 608089, HP:0012114.
Hereditary cancer-predisposing syndrome. Also called: Hereditary neoplastic syndrome; Neoplastic Syndromes, Hereditary; Tumor predisposition; Hereditary Cancer Syndrome. Identifiers: Orphanet 140162, MedGen C0027672, MeSH D009386, MONDO:0015356.
Hereditary nonpolyposis colorectal neoplasms. Identifiers: MedGen C0009405, MeSH D003123.
Lynch syndrome. Identifiers: Orphanet 144, MedGen C4552100, MONDO:0005835. Disease mechanism: loss of function.

gnomAD v4.1: 24 of 1,612,164 alleles (0.0015%); highest among the groups gnomAD compares: Non-Finnish European, 0.0019%; no homozygotes.

Submissions (13):

GeneDx
Classification: Uncertain significance. Last evaluated: 2025-08-19. Review status: criteria provided, single submitter. Criteria: GeneDx Variant Classification Process June 2021. Collection method: clinical testing. Allele origin: germline. Affected: yes.
Comment: Not observed at significant frequency in large population cohorts (gnomAD); In silico analysis suggests that this missense variant does not alter protein structure/function; Published functional studies demonstrate intermediate MMR activity as compared to wild-type (PMID: 31965077); This variant is associated with the following publications: (PMID: 19389263, 23621914, 21153778, 26333163, Yambert2022[article], 18033691, 31965077, 33850299)

Labcorp Genetics (formerly Invitae), Labcorp
Classification: Likely benign for Hereditary nonpolyposis colorectal neoplasms. Last evaluated: 2025-07-02. Review status: criteria provided, single submitter. Criteria: Invitae Variant Classification Sherloc (09022015). Collection method: clinical testing. Allele origin: germline.

Ambry Genetics
Classification: Uncertain significance for Hereditary cancer-predisposing syndrome. Last evaluated: 2025-02-04. Review status: criteria provided, single submitter. Criteria: Ambry Variant Classification Scheme 2023. Collection method: clinical testing. Allele origin: germline.
Comment: The p.K13T variant (also known as c.38A>C), located in coding exon 1 of the MSH6 gene, results from an A to C substitution at nucleotide position 38. The lysine at codon 13 is replaced by threonine, an amino acid with similar properties. This alteration was identified in one of 932 colorectal cancer patients diagnosed under 55 years of age and was not seen in any of the 1104 control individuals; however, this individual&rsquo;s tumor showed microsatellite stability and presence of MSH6 staining on immunohistochemistry and was therefore classified as "undefined" (Barnetson RA et al. Hum. Mutat. 2008 Mar;29:367-74). This amino acid position is highly conserved in available vertebrate species. In addition, the in silico prediction for this alteration is inconclusive. Based on the available evidence, the clinical significance of this variant remains unclear.

Department of Pathology and Laboratory Medicine, Sinai Health System
Classification: Uncertain significance for Endometrial carcinoma; Lynch syndrome 5; Mismatch repair cancer syndrome 3. Last evaluated: 2024-07-29. Review status: criteria provided, single submitter. Criteria: ACMG Guidelines, 2015. Collection method: clinical testing. Allele origin: germline.

Color Diagnostics, LLC DBA Color Health
Classification: Uncertain significance for Hereditary cancer-predisposing syndrome. Last evaluated: 2024-07-01. Review status: criteria provided, single submitter. Criteria: ACMG Guidelines, 2015. Collection method: clinical testing. Allele origin: germline.
Comment: This missense variant replaces lysine with threonine at codon 13 of the MSH6 protein. Computational prediction is inconclusive regarding the impact of this variant on protein structure and function (internally defined REVEL score threshold 0.5 < inconclusive < 0.7, PMID: 27666373). A functional study has shown that this variant retained approximately 50% of wild-type mismatch repair activity (PMID: 31965077). This variant has been reported in an individual with mismatch repair stable colorectal cancer (PMID: 18033691). This variant has not been identified in the general population by the Genome Aggregation Database (gnomAD). The available evidence is insufficient to determine the role of this variant in disease conclusively. Therefore, this variant is classified as a Variant of Uncertain Significance.

All of Us Research Program, National Institutes of Health
Classification: Uncertain significance for Lynch syndrome. Last evaluated: 2023-12-18. Review status: criteria provided, single submitter. Criteria: ACMG Guidelines, 2015. Collection method: clinical testing. Allele origin: germline. Inheritance: Autosomal dominant inheritance. Observed: 2 variant alleles, 2 heterozygotes.
Comment: This missense variant replaces lysine with threonine at codon 13 of the MSH6 protein. Computational prediction tool is inconclusive regarding the impact of this variant on protein structure and function (internally defined REVEL score threshold 0.5 < inconclusive < 0.7, PMID: 27666373). Splice site prediction tools suggest that this variant may not impact RNA splicing. To our knowledge, functional studies have not been performed for this variant. This variant has been reported in an individual affected with colorectal cancer (PMID: 18033691). This variant has not been identified in the general population by the Genome Aggregation Database (gnomAD). The available evidence is insufficient to determine the role of this variant in disease conclusively. Therefore, this variant is classified as a Variant of Uncertain Significance.

This study involves interpretation of variants in research participants for the purpose of population health screening. Participant phenotype was not available at the time of variant classification. Additional details can be found in publication PMID: 35346344, PMCID: PMC8962531

Baylor Genetics
Classification: Uncertain significance for Endometrial carcinoma. Last evaluated: 2023-10-19. Review status: criteria provided, single submitter. Criteria: ACMG Guidelines, 2015. Collection method: clinical testing. Allele origin: unknown.

Quest Diagnostics Nichols Institute San Juan Capistrano
Classification: Uncertain significance. Last evaluated: 2023-06-01. Review status: criteria provided, single submitter. Criteria: Quest Diagnostics criteria. Collection method: clinical testing. Allele origin: unknown.
Comment: In the published literature, this variant has been reported in an individual with colorectal cancer (PMID: 18033691 (2008)). Published functional studies to determine the effect of this variant on protein function were inconclusive (PMID: 31965077 (2020)). This variant has not been reported in large, multi-ethnic general populations (Genome Aggregation Database). Analysis of this variant using bioinformatics tools for the prediction of the effect of amino acid changes on protein structure and function yielded conflicting predictions that this variant is benign or damaging. Based on the available information, we are unable to determine the clinical significance of this variant.

Myriad Genetics, Inc.
Classification: Uncertain significance for Lynch syndrome 5. Last evaluated: 2023-03-30. Review status: criteria provided, single submitter. Criteria: Myriad Autosomal Dominant, Autosomal Recessive and X-Linked Classification Criteria (2023). Collection method: clinical testing. Allele origin: unknown.
Comment: This variant is classified as a variant of uncertain significance as there is insufficient evidence to determine its impact on protein function and/or cancer risk.

Blueprint Genetics
Classification: Uncertain significance. Last evaluated: 2022-08-03. Review status: criteria provided, single submitter. Criteria: ACMG Guidelines, 2015. Collection method: clinical testing. Allele origin: germline.

Genetic Services Laboratory, University of Chicago
Classification: Uncertain significance. Last evaluated: 2018-08-07. Review status: criteria provided, single submitter. Criteria: ACMG Guidelines, 2015. Collection method: clinical testing. Allele origin: germline. Affected: no.

Counsyl
Classification: Uncertain significance for Lynch syndrome 5. Last evaluated: 2017-09-05. Review status: no assertion criteria provided. Collection method: clinical testing. Allele origin: unknown. Not counted in ClinVar's aggregate classification.

Women's Health and Genetics/Laboratory Corporation of America, LabCorp
Classification: Uncertain significance for Lynch syndrome. Last evaluated: 2015-10-02. Review status: no assertion criteria provided. Collection method: clinical testing. Allele origin: germline. Not counted in ClinVar's aggregate classification.

Literature cited by the submitters: PubMed 18033691 (cited by 6 submitters); PubMed 31965077 (cited by 3 submitters); PubMed 23621914 (cited by Quest Diagnostics Nichols Institute San Juan Capistrano).